The following is an entry in ClinVar:

NM_004984.4(KIF5A):c.2993-267A>G

Gene: KIF5A (kinesin family member 5A; plus strand). Cytogenetic location: 12q13.3.
Variant type: single nucleotide variant.
Coding change: c.2993-267A>G on transcript NM_004984.4 (MANE Select); 267 bases into the intron before coding-DNA position 2993, A replaced by G.
Molecular consequence: intron variant.
Genome position (GRCh38, 1-based): chr12:57,582,335, A>G. VCF-style: chr12-57582335-A-G. GRCh37 (hg19) VCF-style: chr12-57976118-A-G.
Other names: c.2726-267A>G (NM_001354705.2).
Identifiers: ClinVar variation 668749 (VCV000668749.2), dbSNP rs11172256, ClinGen allele CA13724792.

ClinVar aggregate classification (germline): Benign. Review status: criteria provided, multiple submitters, no conflicts (2 of 4 stars). 2 submissions from 2 submitters: Benign (2). Last evaluated 2018-06-19.

Allele frequency attached by ClinVar (database versions not stated): 1000 Genomes Project 0.14816; 1000 Genomes Project 30x 0.14819; TOPMed 0.18189; gnomAD 0.18999 and 0.19121.

Submissions (2):

GeneDx
Classification: Benign. Last evaluated: 2018-06-19. Review status: criteria provided, single submitter. Criteria: GeneDx Variant Classification (06012015). Collection method: clinical testing. Allele origin: germline. Affected: yes.
Comment: This variant is considered likely benign or benign based on one or more of the following criteria: it is a conservative change, it occurs at a poorly conserved position in the protein, it is predicted to be benign by multiple in silico algorithms, and/or has population frequency not consistent with disease.

Breakthrough Genomics
Classification: Benign. Review status: criteria provided, single submitter. Criteria: ACMG Guidelines, 2015. Collection method: not provided. Allele origin: germline. Inheritance: Autosomal dominant inheritance. Affected: yes.